The following is an entry in ClinVar:

ClinVar aggregate classification (germline): Uncertain significance (1 of 4 stars; one submission).

Allele frequency attached by ClinVar (database versions not stated): TOPMed below 0.00001; ExAC 0.00001.
gnomAD v4.1: 1 of 1,609,482 alleles (0.000062%); highest among the groups gnomAD compares: Admixed American, 0.0017%; no homozygotes.

Submission:

Labcorp Genetics (formerly Invitae), Labcorp
Classification: Uncertain significance. Last evaluated: 2022-04-10. Review status: criteria provided, single submitter. Criteria: Invitae Variant Classification Sherloc (09022015). Collection method: clinical testing. Allele origin: germline.
Comment: This variant has not been reported in the literature in individuals affected with ARMC9-related conditions. This sequence change affects codon 626 of the ARMC9 mRNA. It is a 'silent' change, meaning that it does not change the encoded amino acid sequence of the ARMC9 protein. This variant also falls at the last nucleotide of exon 19, which is part of the consensus splice site for this exon. The frequency data for this variant in the population databases is considered unreliable, as metrics indicate poor data quality at this position in the gnomAD database. Variants that disrupt the consensus splice site are a relatively common cause of aberrant splicing (PMID: 17576681, 9536098). Experimental studies and prediction algorithms are not available or were not evaluated, and the effect of this variant on mRNA splicing is currently unknown. In summary, the available evidence is currently insufficient to determine the role of this variant in disease. Therefore, it has been classified as a Variant of Uncertain Significance.

Literature cited by the submitters: PubMed 17576681; PubMed 9536098.

NM_001352754.2(ARMC9):c.1878G>T (p.Gly626=)

Gene: ARMC9 (armadillo repeat containing 9; plus strand). Cytogenetic location: 2q37.1.
Variant type: single nucleotide variant.
Coding change: c.1878G>T on transcript NM_001352754.2 (MANE Select); coding-DNA position 1878, G replaced by T.
Protein change: p.Gly626=; no amino-acid change (glycine 626 retained).
Molecular consequence: synonymous variant. On other transcripts: non-coding transcript variant (1), intron variant (1).
Genome position (GRCh38, 1-based): chr2:231,331,897, G>T. VCF-style: chr2-231331897-G-T. GRCh37 (hg19) VCF-style: chr2-232196609-G-T.
Other names: c.1878G>T, p.Gly626= (NM_001271466.4, NM_001291656.2, NM_001352755.2 and 2 more transcripts); c.1779G>T, p.Gly593= (NM_001352757.2, NM_001352758.2); c.1774-13078G>T (NM_001352759.2).
Identifiers: ClinVar variation 1962519 (VCV001962519.5), dbSNP rs781418413, ClinGen allele CA2160510.